The following is an entry in ClinVar:

ClinVar aggregate classification (germline): Likely benign. Review status: criteria provided, multiple submitters, no conflicts (2 of 4 stars). 3 submissions from 3 submitters: Likely benign (2). 1 of the submissions does not count toward it. Last evaluated 2026-09-01.

Conditions:
PLXNA1-related disorder. Also called: PLXNA1-related condition.

Allele frequency attached by ClinVar (database versions not stated): ExAC 0.00006; gnomAD exomes 0.00006; gnomAD 0.00007; ESP Exome Variant Server 0.00008; TOPMed 0.00008.
gnomAD v4.1: 101 of 1,613,192 alleles (0.0063%); highest among the groups gnomAD compares: Admixed American, 0.02%; no homozygotes.

Submissions (3):

CeGaT Center for Human Genetics Tuebingen
Classification: Likely benign. Last evaluated: 2026-09-01. Review status: criteria provided, single submitter. Criteria: CeGaT Center For Human Genetics Tuebingen Variant Classification Criteria Version 2. Collection method: clinical testing. Allele origin: germline. Affected: yes. Observed: 1 variant allele.
Comment: PLXNA1: BP4, BP7

Labcorp Genetics (formerly Invitae), Labcorp
Classification: Likely benign. Last evaluated: 2024-05-24. Review status: criteria provided, single submitter. Criteria: Invitae Variant Classification Sherloc (09022015). Collection method: clinical testing. Allele origin: germline.

PreventionGenetics, part of Exact Sciences
Classification: Likely benign for PLXNA1-related condition. Last evaluated: 2022-06-02. Review status: no assertion criteria provided. Collection method: clinical testing. Allele origin: germline. Not counted in ClinVar's aggregate classification.
Comment: This variant is classified as likely benign based on ACMG/AMP sequence variant interpretation guidelines (Richards et al. 2015 PMID: 25741868, with internal and published modifications).

NM_032242.4(PLXNA1):c.2268C>T (p.Thr756=)

Gene: PLXNA1 (plexin A1; plus strand). Cytogenetic location: 3q21.3.
Variant type: single nucleotide variant.
Coding change: c.2268C>T on transcript NM_032242.4 (MANE Select); coding-DNA position 2268, C replaced by T.
Protein change: p.Thr756=; no amino-acid change (threonine 756 retained).
Molecular consequence: synonymous variant.
Genome position (GRCh38, 1-based): chr3:127,012,113, C>T. VCF-style: chr3-127012113-C-T. GRCh37 (hg19) VCF-style: chr3-126730956-C-T.
Identifiers: ClinVar variation 3047988 (VCV003047988.5), dbSNP rs376206065, ClinGen allele CA2593552.
Genomic context (GRCh38, chr3:127,012,113, plus strand): 5'-GTCAGGCCAGCGTGGATATGAGTGCCTCTTCCACATCCCGGGCAGCCCGGCCCGTGTCAC[C>T]GCCCTGCGCTTCAACAGCTCCAGCCTGCAGTGCCAGAATTCCTCGGTGAGGTGGCCAGGG-3'
Protein context (NP_115618.3, residues 746-766): FHIPGSPARV[Thr756=]ALRFNSSSLQ